The following is an entry in ClinVar:

NM_012418.4(FSCN2):c.1460C>A (p.Thr487Asn)

Gene: FSCN2 (fascin actin-bundling protein 2, retinal; plus strand). Cytogenetic location: 17q25.3.
Variant type: single nucleotide variant.
Coding change: c.1460C>A on transcript NM_012418.4 (MANE Select); coding-DNA position 1460, C replaced by A.
Protein change: p.Thr487Asn; replaces threonine 487 with asparagine.
Molecular consequence: missense variant.
Genome position (GRCh38, 1-based): chr17:81,537,061, C>A. VCF-style: chr17-81537061-C-A. GRCh37 (hg19) VCF-style: chr17-79504087-C-A.
Other names: c.1532C>A, p.Thr511Asn (NM_001077182.3); short protein forms T487N, T511N.
Identifiers: ClinVar variation 1956923 (VCV001956923.5), dbSNP rs1399764392, ClinGen allele CA401479220.

ClinVar aggregate classification (germline): Uncertain significance (1 of 4 stars; one submission).

Allele frequency attached by ClinVar (database versions not stated): gnomAD 0.00001.

Submission:

Labcorp Genetics (formerly Invitae), Labcorp
Classification: Uncertain significance. Last evaluated: 2021-12-27. Review status: criteria provided, single submitter. Criteria: Invitae Variant Classification Sherloc (09022015). Collection method: clinical testing. Allele origin: germline.
Comment: This sequence change replaces threonine, which is neutral and polar, with asparagine, which is neutral and polar, at codon 511 of the FSCN2 protein (p.Thr511Asn). This variant is not present in population databases (gnomAD no frequency). This variant has not been reported in the literature in individuals affected with FSCN2-related conditions. Algorithms developed to predict the effect of missense changes on protein structure and function (SIFT, PolyPhen-2, Align-GVGD) all suggest that this variant is likely to be tolerated. In summary, the available evidence is currently insufficient to determine the role of this variant in disease. Therefore, it has been classified as a Variant of Uncertain Significance.